The following is an entry in ClinVar:

ClinVar aggregate classification (germline): Uncertain significance. Review status: criteria provided, multiple submitters, no conflicts (2 of 4 stars). 3 submissions from 3 submitters: Uncertain significance (3). Last evaluated 2025-01-13.

Conditions:
Inborn genetic diseases. Identifiers: MedGen C0950123, MeSH D030342.

Allele frequency attached by ClinVar (database versions not stated): gnomAD exomes 0.00005 and 0.00006; TOPMed 0.00012; 1000 Genomes Project 30x 0.00016; 1000 Genomes Project 0.00020; ExAC 0.00004; gnomAD 0.00007 and 0.00008.
gnomAD v4.1: 92 of 1,613,904 alleles (0.0057%); highest among the groups gnomAD compares: Admixed American, 0.015%; no homozygotes.

Submissions (3):

Dasa
Classification: Uncertain significance. Last evaluated: 2025-01-13. Review status: criteria provided, single submitter. Criteria: DASA Assertion Criteria. Collection method: clinical testing. Allele origin: germline.
Comment: NM_003922.4(HERC1):c.10178G>A (p.Arg3393His) is a missense variant that results in the substitution of arginine with histidine. This variant is rare in population databases. Computational prediction algorithms are consistent with a benign effect. The currently available literature and clinical evidence are not sufficient to establish a definitive association between this variant and the reported condition. Therefore, this variant is classified as a variant of uncertain significance.

Ambry Genetics
Classification: Uncertain significance for Inborn genetic diseases. Last evaluated: 2022-09-06. Review status: criteria provided, single submitter. Criteria: Ambry Variant Classification Scheme 2023. Collection method: clinical testing. Allele origin: germline.

GeneDx
Classification: Uncertain significance. Last evaluated: 2021-12-03. Review status: criteria provided, single submitter. Criteria: GeneDx Variant Classification Process June 2021. Collection method: clinical testing. Allele origin: germline. Affected: yes.
Comment: Not observed at significant frequency in large population cohorts (Lek et al., 2016); In silico analysis supports that this missense variant does not alter protein structure/function; Has not been previously published as pathogenic or benign to our knowledge

NM_003922.4(HERC1):c.10178G>A (p.Arg3393His)

Gene: HERC1 (HECT and RLD domain containing E3 ubiquitin protein ligase family member 1; minus strand). Cytogenetic location: 15q22.31.
Variant type: single nucleotide variant.
Coding change: c.10178G>A on transcript NM_003922.4 (MANE Select); coding-DNA position 10178, G replaced by A.
Protein change: p.Arg3393His; replaces arginine 3393 with histidine.
Molecular consequence: missense variant.
Genome position (GRCh38, 1-based): chr15:63,654,231, C>T on the plus strand (G>A on the coding strand, the complement: HERC1 is on the minus strand). VCF-style: chr15-63654231-C-T. GRCh37 (hg19) VCF-style: chr15-63946430-C-T.
Other names: short protein forms R3393H.
Identifiers: ClinVar variation 1327313 (VCV001327313.6), dbSNP rs200318759, ClinGen allele CA7604538.